The following is an entry in ClinVar:

ClinVar aggregate classification (germline): Uncertain significance (1 of 4 stars; one submission).

Submission:

Women's Health and Genetics/Laboratory Corporation of America, LabCorp
Classification: Uncertain significance. Last evaluated: 2025-04-09. Review status: criteria provided, single submitter. Criteria: LabCorp Variant Classification Summary - May 2015. Collection method: clinical testing. Allele origin: germline.
Comment: Variant summary: SMN1 c.835-7C>T alters a non-conserved nucleotide located close to a canonical splice site and therefore could affect mRNA splicing, leading to a significantly altered protein sequence. Consensus agreement among computation tools predict no significant impact on normal splicing. However, these predictions have yet to be confirmed by functional studies. The variant was absent in 248032 control chromosomes. The available data on variant occurrences in the general population are insufficient to allow any conclusion about variant significance. To our knowledge, no occurrence of c.835-7C>T in individuals affected with Spinal Muscular Atrophy and no experimental evidence demonstrating its impact on protein function have been reported. No submitters have cited clinical-significance assessments for this variant to ClinVar. Based on the evidence outlined above, the variant was classified as uncertain significance.

NM_000344.4(SMN1):c.835-7C>T

Gene: SMN1 (survival of motor neuron 1, telomeric). Cytogenetic location: 5q13.2.
Variant type: single nucleotide variant.
Coding change: c.835-7C>T on transcript NM_000344.4 (MANE Select); 7 bases into the intron before coding-DNA position 835, C replaced by T.
Molecular consequence: intron variant.
Genome position (GRCh38, 1-based): chr5:70,951,934, C>T. VCF-style: chr5-70951934-C-T. GRCh37 (hg19) VCF-style: chr5-70247761-C-T.
Other names: c.835-505C>T (NM_001297715.1); c.739-7C>T (NM_022874.2).
Identifiers: ClinVar variation 3896388 (VCV003896388.2).